The following is an entry in ClinVar:

ClinVar aggregate classification (germline): Uncertain significance (1 of 4 stars; one submission).

Conditions:
MHC class II deficiency. Also called: BLS, TYPE II; Bare lymphocyte syndrome 2. Identifiers: Orphanet 572, MedGen C5447452, MONDO:0008855.

Submission:

Labcorp Genetics (formerly Invitae), Labcorp
Classification: Uncertain significance for MHC class II deficiency. Last evaluated: 2021-08-24. Review status: criteria provided, single submitter. Criteria: Invitae Variant Classification Sherloc (09022015). Collection method: clinical testing. Allele origin: germline.
Comment: This sequence change replaces arginine with serine at codon 745 of the CIITA protein (p.Arg745Ser). The arginine residue is moderately conserved and there is a moderate physicochemical difference between arginine and serine. This variant is not present in population databases (ExAC no frequency). This variant has not been reported in the literature in individuals affected with CIITA-related conditions. Algorithms developed to predict the effect of missense changes on protein structure and function (SIFT, PolyPhen-2, Align-GVGD) all suggest that this variant is likely to be disruptive. In summary, the available evidence is currently insufficient to determine the role of this variant in disease. Therefore, it has been classified as a Variant of Uncertain Significance.

NM_000246.4(CIITA):c.2235G>C (p.Arg745Ser)

Gene: CIITA (class II major histocompatibility complex transactivator; plus strand). Cytogenetic location: 16p13.13.
Variant type: single nucleotide variant.
Coding change: c.2235G>C on transcript NM_000246.4 (MANE Select); coding-DNA position 2235, G replaced by C.
Protein change: p.Arg745Ser; replaces arginine 745 with serine.
Molecular consequence: missense variant. On other transcripts: intron variant (1).
Genome position (GRCh38, 1-based): chr16:10,907,727, G>C. VCF-style: chr16-10907727-G-C. GRCh37 (hg19) VCF-style: chr16-11001584-G-C.
Other names: c.2238G>C, p.Arg746Ser (NM_001286402.1, NM_001379332.1); c.2091G>C, p.Arg697Ser (NM_001379330.1); c.2088G>C, p.Arg696Ser (NM_001379331.1); c.2235G>C, p.Arg745Ser (NM_001379333.1); c.2166G>C, p.Arg722Ser (NM_001379334.1); c.860-1256G>C (NM_001286403.2); short protein forms R722S, R745S, R746S, R696S, R697S.
Identifiers: ClinVar variation 1043708 (VCV001043708.6), dbSNP rs2039273405, ClinGen allele CA394732714.